The following is an entry in ClinVar:

ClinVar aggregate classification (germline): Uncertain significance (1 of 4 stars; one submission).

Conditions:
Inborn genetic diseases. Identifiers: MedGen C0950123, MeSH D030342.

gnomAD v4.1: 1 of 1,612,166 alleles (0.000062%); highest among the groups gnomAD compares: Non-Finnish European, 0.000085%; no homozygotes.

Submission:

Ambry Genetics
Classification: Uncertain significance for Inborn genetic diseases. Last evaluated: 2024-08-02. Review status: criteria provided, single submitter. Criteria: Ambry Variant Classification Scheme 2023. Collection method: clinical testing. Allele origin: germline.
Comment: The p.G243E variant (also known as c.728G>A), located in coding exon 7 of the MDH2 gene, results from a G to A substitution at nucleotide position 728. The glycine at codon 243 is replaced by glutamic acid, an amino acid with similar properties. This amino acid position is conserved. In addition, this alteration is predicted to be deleterious by in silico analysis. Based on the available evidence, the clinical significance of this variant remains unclear.

NM_005918.4(MDH2):c.728G>A (p.Gly243Glu)

Gene: MDH2 (malate dehydrogenase 2; plus strand). Cytogenetic location: 7q11.23.
Variant type: single nucleotide variant.
Coding change: c.728G>A on transcript NM_005918.4 (MANE Select); coding-DNA position 728, G replaced by A.
Protein change: p.Gly243Glu; replaces glycine 243 with glutamic acid.
Molecular consequence: missense variant.
Genome position (GRCh38, 1-based): chr7:76,064,433, G>A. VCF-style: chr7-76064433-G-A. GRCh37 (hg19) VCF-style: chr7-75693751-G-A.
Other names: c.602G>A, p.Gly201Glu (NM_001282403.2); c.407G>A, p.Gly136Glu (NM_001282404.2); short protein forms G243E, G136E, G201E.
Identifiers: ClinVar variation 3394064 (VCV003394064.1).